The following is an entry in ClinVar:

ClinVar aggregate classification (germline): Likely benign. Review status: criteria provided, multiple submitters, no conflicts (2 of 4 stars). 3 submissions from 3 submitters: Likely benign (3). Last evaluated 2025-12-01.

Conditions:
CHARGE syndrome (CHARGE). Also called: Coloboma, heart anomaly, choanal atresia, retardation, genital and ear anomalies; CHARGE association; Hall-Hittner syndrome; Hittner Hirsch Kreh syndrome; CHARGE ASSOCIATION--COLOBOMA, HEART ANOMALY, CHOANAL ATRESIA, RETARDATION, GENITAL AND EAR ANOMALIES. Identifiers: Orphanet 138, MedGen C0265354, MONDO:0008965.

Allele frequency attached by ClinVar (database versions not stated): gnomAD exomes below 0.00001 and 0.00001; TOPMed 0.00001.
gnomAD v4.1: 14 of 1,602,154 alleles (0.00087%); highest among the groups gnomAD compares: South Asian, 0.0023%; no homozygotes.

Submissions (3):

CeGaT Center for Human Genetics Tuebingen
Classification: Likely benign. Last evaluated: 2025-12-01. Review status: criteria provided, single submitter. Criteria: CeGaT Center For Human Genetics Tuebingen Variant Classification Criteria Version 2. Collection method: clinical testing. Allele origin: germline. Affected: yes. Observed: 1 variant allele.
Comment: CHD7: BP4, BP7

Labcorp Genetics (formerly Invitae), Labcorp
Classification: Likely benign for CHARGE syndrome. Last evaluated: 2025-09-02. Review status: criteria provided, single submitter. Criteria: Invitae Variant Classification Sherloc (09022015). Collection method: clinical testing. Allele origin: germline.

Blueprint Genetics
Classification: Likely benign. Last evaluated: 2021-10-15. Review status: criteria provided, single submitter. Criteria: ACMG Guidelines, 2015. Collection method: clinical testing. Allele origin: germline.

NM_017780.4(CHD7):c.3381A>G (p.Glu1127=)

Gene: CHD7 (chromodomain helicase DNA binding protein 7; plus strand). Cytogenetic location: 8q12.2.
Variant type: single nucleotide variant.
Coding change: c.3381A>G on transcript NM_017780.4 (MANE Select); coding-DNA position 3381, A replaced by G.
Protein change: p.Glu1127=; no amino-acid change (glutamic acid 1127 retained).
Molecular consequence: synonymous variant. On other transcripts: intron variant (1).
Genome position (GRCh38, 1-based): chr8:60,828,665, A>G. VCF-style: chr8-60828665-A-G. GRCh37 (hg19) VCF-style: chr8-61741224-A-G.
Other names: c.1717-33564A>G (NM_001316690.1).
Identifiers: ClinVar variation 1574330 (VCV001574330.14), dbSNP rs1015914018, ClinGen allele CA177338996.